The following is an entry in ClinVar:

ClinVar aggregate classification (germline): Uncertain significance (1 of 4 stars; one submission).

Allele frequency attached by ClinVar (database versions not stated): gnomAD 0.00002; TOPMed 0.00002.
gnomAD v4.1: 14 of 1,613,750 alleles (0.00087%); highest among the groups gnomAD compares: Admixed American, 0.005%; no homozygotes.

Submission:

Labcorp Genetics (formerly Invitae), Labcorp
Classification: Uncertain significance. Last evaluated: 2025-11-17. Review status: criteria provided, single submitter. Criteria: Invitae Variant Classification Sherloc (09022015). Collection method: clinical testing. Allele origin: germline.
Comment: This sequence change replaces aspartic acid, which is acidic and polar, with asparagine, which is neutral and polar, at codon 250 of the ALDH6A1 protein (p.Asp250Asn). This variant is present in population databases (rs761850051, gnomAD 0.003%). This variant has not been reported in the literature in individuals affected with ALDH6A1-related conditions. ClinVar contains an entry for this variant (Variation ID: 2148369). Invitae Evidence Modeling of protein sequence and biophysical properties (such as structural, functional, and spatial information, amino acid conservation, physicochemical variation, residue mobility, and thermodynamic stability) indicates that this missense variant is not expected to disrupt ALDH6A1 protein function with a negative predictive value of 95%. In summary, the available evidence is currently insufficient to determine the role of this variant in disease. Therefore, it has been classified as a Variant of Uncertain Significance.

NM_005589.4(ALDH6A1):c.748G>A (p.Asp250Asn)

Genes: ALDH6A1 (aldehyde dehydrogenase 6 family member A1; minus strand), BBOF1 (basal body orientation factor 1; plus strand). Cytogenetic location: 14q24.3.
Variant type: single nucleotide variant.
Coding change: c.748G>A on transcript NM_005589.4 (MANE Select); coding-DNA position 748, G replaced by A.
Protein change: p.Asp250Asn; replaces aspartic acid 250 with asparagine.
Molecular consequence: missense variant.
Genome position (GRCh38, 1-based): chr14:74,068,964, C>T on the plus strand (G>A on the coding strand, the complement: ALDH6A1 is on the minus strand). VCF-style: chr14-74068964-C-T. GRCh37 (hg19) VCF-style: chr14-74535667-C-T.
Other names: c.709G>A, p.Asp237Asn (NM_001278593.2); c.286G>A, p.Asp96Asn (NM_001278594.2); short protein forms D237N, D250N, D96N.
Identifiers: ClinVar variation 2148369 (VCV002148369.4), dbSNP rs761850051, ClinGen allele CA263543821.